The following is an entry in ClinVar:

NM_198253.3(TERT):c.1736G>A (p.Ser579Asn)

Gene: TERT (telomerase reverse transcriptase; minus strand). Cytogenetic location: 5p15.33.
Variant type: single nucleotide variant.
Coding change: c.1736G>A on transcript NM_198253.3 (MANE Select); coding-DNA position 1736, G replaced by A.
Protein change: p.Ser579Asn; replaces serine 579 with asparagine.
Molecular consequence: missense variant. On other transcripts: non-coding transcript variant (2).
Genome position (GRCh38, 1-based): chr5:1,282,462, C>T on the plus strand (G>A on the coding strand, the complement: TERT is on the minus strand). VCF-style: chr5-1282462-C-T. GRCh37 (hg19) VCF-style: chr5-1282577-C-T.
Other names: c.1736G>A, p.Ser579Asn (NM_001193376.3, NM_003219.1); short protein forms S579N.
Identifiers: ClinVar variation 3238524 (VCV003238524.1), dbSNP rs1176093960.

ClinVar aggregate classification (germline): Uncertain significance (1 of 4 stars; one submission).

Conditions:
Dyskeratosis congenita. Identifiers: Orphanet 1775, MedGen C0265965, MONDO:0015780.

gnomAD v4.1: 2 of 1,614,194 alleles (0.00012%); highest among the groups gnomAD compares: Non-Finnish European, 0.00017%; no homozygotes.

Submission:

Ambry Genetics
Classification: Uncertain significance for Dyskeratosis congenita. Last evaluated: 2023-12-10. Review status: criteria provided, single submitter. Criteria: Ambry Variant Classification Scheme 2023. Collection method: clinical testing. Allele origin: germline.
Comment: The p.S579N variant (also known as c.1736G>A), located in coding exon 3 of the TERT gene, results from a G to A substitution at nucleotide position 1736. The serine at codon 579 is replaced by asparagine, an amino acid with highly similar properties. This amino acid position is conserved. In addition, this alteration is predicted to be tolerated by in silico analysis. Since supporting evidence is limited at this time, the clinical significance of this alteration remains unclear.